The following is an entry in ClinVar:

NM_014208.3(DSPP):c.3904T>C (p.Ter1302Gln)

Genes: DMP1-AS1 (DMP1 and DSPP antisense RNA 1; minus strand), DSPP (dentin sialophosphoprotein; plus strand). Cytogenetic location: 4q22.1.
Variant type: single nucleotide variant.
Coding change: c.3904T>C on transcript NM_014208.3 (MANE Select); coding-DNA position 3904, T replaced by C.
Protein change: p.Ter1302Gln.
Molecular consequence: stop lost.
Genome position (GRCh38, 1-based): chr4:87,616,566, T>C. VCF-style: chr4-87616566-T-C. GRCh37 (hg19) VCF-style: chr4-88537718-T-C.
Identifiers: ClinVar variation 4978270 (VCV004978270.1).

ClinVar aggregate classification (germline): Likely benign (1 of 4 stars; one submission).

Conditions:
DSPP-related disorder. Also called: DSPP-related condition.

gnomAD v4.1: 31 of 1,551,736 alleles (0.002%); highest among the groups gnomAD compares: African/African-American, 0.029%; no homozygotes.

Submission:

PreventionGenetics, part of Exact Sciences
Classification: Likely benign for DSPP-related condition. Last evaluated: 2025-08-18. Review status: criteria provided, single submitter. Criteria: ACMG Guidelines, 2015. Collection method: clinical testing. Allele origin: germline.
Comment: This variant is classified as likely benign based on ACMG/AMP sequence variant interpretation guidelines (Richards et al. 2015 PMID: 25741868, with internal and published modifications).